The following is an entry in ClinVar:

ClinVar aggregate classification (germline): Conflicting classifications of pathogenicity. Review status: criteria provided, conflicting classifications (1 of 4 stars). 3 submissions from 3 submitters: Uncertain significance (2); Likely benign (1). Last evaluated 2025-08-26.

Conditions:
Inborn genetic diseases. Identifiers: MedGen C0950123, MeSH D030342.
Koolen-de Vries syndrome (KDVS). Identifiers: Orphanet 96169, MedGen C1864871, MONDO:0012496, OMIM 610443.

Allele frequency attached by ClinVar (database versions not stated): gnomAD exomes below 0.00001; ExAC 0.00002.
gnomAD v4.1: 4 of 1,614,228 alleles (0.00025%); highest among the groups gnomAD compares: South Asian, 0.0033%; 1 homozygote.

Submissions (3):

Ambry Genetics
Classification: Uncertain significance for Inborn genetic diseases. Last evaluated: 2025-08-26. Review status: criteria provided, single submitter. Criteria: Ambry Variant Classification Scheme 2023. Collection method: clinical testing. Allele origin: germline.

Labcorp Genetics (formerly Invitae), Labcorp
Classification: Uncertain significance for Koolen-de Vries syndrome. Last evaluated: 2019-03-29. Review status: criteria provided, single submitter. Criteria: Invitae Variant Classification Sherloc (09022015). Collection method: clinical testing. Allele origin: germline.
Comment: In summary, the available evidence is currently insufficient to determine the role of this variant in disease. Therefore, it has been classified as a Variant of Uncertain Significance. This sequence change replaces isoleucine with valine at codon 376 of the KANSL1 protein (p.Ile376Val). The isoleucine residue is highly conserved and there is a small physicochemical difference between isoleucine and valine. The frequency data for this variant in the population databases is considered unreliable, as metrics indicate poor data quality at this position in the ExAC database. This variant has not been reported in the literature in individuals with KANSL1-related conditions. ClinVar contains an entry for this variant (Variation ID: 379183). Algorithms developed to predict the effect of missense changes on protein structure and function output the following: SIFT: "Deleterious"; PolyPhen-2: "Benign"; Align-GVGD: "Class C25". The valine amino acid residue is found in multiple mammalian species, suggesting that this missense change does not adversely affect protein function. These predictions have not been confirmed by published functional studies and their clinical significance is uncertain.

GeneDx
Classification: Likely benign. Last evaluated: 2015-03-05. Review status: criteria provided, single submitter. Criteria: GeneDx Variant Classification (06012015). Collection method: clinical testing. Allele origin: germline. Affected: yes.
Comment: This variant is considered likely benign or benign based on one or more of the following criteria: it is a conservative change, it occurs at a poorly conserved position in the protein, it is predicted to be benign by multiple in silico algorithms, and/or has population frequency not consistent with disease.

NM_015443.4(KANSL1):c.1126A>G (p.Ile376Val)

Gene: KANSL1 (KAT8 regulatory NSL complex subunit 1). Cytogenetic location: 17q21.31.
Variant type: single nucleotide variant.
Coding change: c.1126A>G on transcript NM_015443.4 (MANE Select); coding-DNA position 1126, A replaced by G.
Protein change: p.Ile376Val; replaces isoleucine 376 with valine.
Molecular consequence: missense variant.
Genome position (GRCh38, 1-based): chr17:46,171,018, T>C on the plus strand (A>G on the coding strand, the complement: KANSL1 is on the minus strand). VCF-style: chr17-46171018-T-C. GRCh37 (hg19) VCF-style: chr17-44248384-T-C.
Other names: c.1126A>G, p.Ile376Val (NM_001193465.2, NM_001193466.2, NM_001379198.1); short protein forms I376V.
Identifiers: ClinVar variation 379183 (VCV000379183.11), dbSNP rs754713192, ClinGen allele CA8618887.
Genomic context (GRCh38, chr17:46,171,018, plus strand): 5'-GTTCACTGCACCTCAAGTTGGCTATGCCACTAGCTGTAAATCTCTCCAATTCTTCTGAAA[T>C]TGAATTGCTTTTCAGAAAGTTGCTAAGTCCCTCTGAAGTGGTGGTCTCACTGGCAGCTTT-3'
Protein context (NP_056258.1, residues 366-386): GLSNFLKSNS[Ile376Val]SEELERFTAS